The following is an entry in ClinVar:

ClinVar aggregate classification (germline): Likely pathogenic (1 of 4 stars; one submission).

Conditions:
Intellectual developmental disorder, autosomal recessive 5. Also called: Intellectual disability, autosomal recessive 5. Identifiers: Orphanet 88616, MedGen C1970199, MONDO:0012613, OMIM 611091.

Submission:

Juno Genomics, Hangzhou Juno Genomics, Inc
Classification: Likely pathogenic for Intellectual developmental disorder, autosomal recessive 5. Review status: criteria provided, single submitter. Criteria: ACMG Guidelines, 2015. Collection method: clinical testing. Allele origin: germline. Affected: yes.
Comment: Absent from controls (or at extremely low frequency if recessive) in Genome Aggregation Database, Exome Sequencing Project, 1000 Genomes Project, or Exome Aggregation Consortium.;Null variant in a gene where loss of function (LOF) is a known mechanism of disease.

NM_017755.6(NSUN2):c.947del (p.Met316fs)

Gene: NSUN2 (NOP2/Sun RNA methyltransferase 2; minus strand). Cytogenetic location: 5p15.31.
Variant type: Deletion.
Coding change: c.947del on transcript NM_017755.6 (MANE Select); coding-DNA position 947, one base deleted (T; older notation c.947delT).
Protein change: p.Met316fs; shifts the reading frame from methionine 316.
Molecular consequence: frameshift variant. On other transcripts: non-coding transcript variant (1).
Genome position (GRCh38, 1-based): chr5:6,616,801, A deleted on the plus strand (T on the coding strand, the reverse complement: NSUN2 is on the minus strand). VCF-style (leftmost placement, unchanged base first): chr5-6616800-CA-C. GRCh37 (hg19) VCF-style: chr5-6616913-CA-C.
Other names: c.842del, p.Met281fs (NM_001193455.2); short protein forms M281fs, M316fs.
Identifiers: ClinVar variation 4796510 (VCV004796510.1).